The following is an entry in ClinVar:

NM_006031.6(PCNT):c.587G>A (p.Gly196Glu)

Gene: PCNT (pericentrin; plus strand). Cytogenetic location: 21q22.3.
Variant type: single nucleotide variant.
Coding change: c.587G>A on transcript NM_006031.6 (MANE Select); coding-DNA position 587, G replaced by A.
Protein change: p.Gly196Glu; replaces glycine 196 with glutamic acid.
Molecular consequence: missense variant.
Genome position (GRCh38, 1-based): chr21:46,334,716, G>A. VCF-style: chr21-46334716-G-A. GRCh37 (hg19) VCF-style: chr21-47754630-G-A.
Other names: c.233G>A, p.Gly78Glu (NM_001315529.2); short protein forms G196E, G78E.
Identifiers: ClinVar variation 3352936 (VCV003352936.1).

ClinVar aggregate classification (germline): Uncertain significance (0 of 4 stars; one submission).

Conditions:
PCNT-related disorder. Also called: PCNT-related condition.

Submission:

PreventionGenetics, part of Exact Sciences
Classification: Uncertain significance for PCNT-related condition. Last evaluated: 2024-03-07. Review status: no assertion criteria provided. Collection method: clinical testing. Allele origin: germline.
Comment: The PCNT c.587G>A variant is predicted to result in the amino acid substitution p.Gly196Glu. To our knowledge, this variant has not been reported in the literature or in a large population database, indicating this variant is rare. At this time, the clinical significance of this variant is uncertain due to the absence of conclusive functional and genetic evidence.